The following is an entry in ClinVar:

ClinVar aggregate classification (germline): Uncertain significance (1 of 4 stars; one submission).

Conditions:
Glucose-6-phosphate transport defect (GSD1B). Also called: Glycogen Storage Disease Type Ib; GSD Ib. Identifiers: Orphanet 364, Orphanet 79259, MedGen C0268146, MONDO:0009288, OMIM 232220.

Allele frequency attached by ClinVar (database versions not stated): gnomAD 0.00002; TOPMed 0.00002; gnomAD exomes 0.00004.

Submission:

Labcorp Genetics (formerly Invitae), Labcorp
Classification: Uncertain significance for Glucose-6-phosphate transport defect. Last evaluated: 2025-09-07. Review status: criteria provided, single submitter. Criteria: Invitae Variant Classification Sherloc (09022015). Collection method: clinical testing. Allele origin: germline.
Comment: This sequence change replaces glutamine, which is neutral and polar, with arginine, which is basic and polar, at codon 257 of the SLC37A4 protein (p.Gln257Arg). This variant is present in population databases (rs534195204, gnomAD 0.004%). This variant has not been reported in the literature in individuals affected with SLC37A4-related conditions. ClinVar contains an entry for this variant (Variation ID: 2413823). Invitae Evidence Modeling of protein sequence and biophysical properties (such as structural, functional, and spatial information, amino acid conservation, physicochemical variation, residue mobility, and thermodynamic stability) indicates that this missense variant is not expected to disrupt SLC37A4 protein function with a negative predictive value of 80%. In summary, the available evidence is currently insufficient to determine the role of this variant in disease. Therefore, it has been classified as a Variant of Uncertain Significance.

NM_001164277.2(SLC37A4):c.770A>G (p.Gln257Arg)

Gene: SLC37A4 (solute carrier family 37 member 4; minus strand). Cytogenetic location: 11q23.3.
Variant type: single nucleotide variant.
Coding change: c.770A>G on transcript NM_001164277.2 (MANE Select); coding-DNA position 770, A replaced by G.
Protein change: p.Gln257Arg; replaces glutamine 257 with arginine.
Molecular consequence: missense variant.
Genome position (GRCh38, 1-based): chr11:119,026,951, T>C on the plus strand (A>G on the coding strand, the complement: SLC37A4 is on the minus strand). VCF-style: chr11-119026951-T-C. GRCh37 (hg19) VCF-style: chr11-118897661-T-C.
Other names: c.770A>G, p.Gln257Arg (NM_001164278.2, NM_001164280.2, NM_001467.6); c.551A>G, p.Gln184Arg (NM_001164279.2); short protein forms Q257R, Q184R.
Identifiers: ClinVar variation 2413823 (VCV002413823.4), dbSNP rs534195204, ClinGen allele CA229598185.